The following is an entry in ClinVar:

NM_001009944.3(PKD1):c.8684A>C (p.Asn2895Thr)

Gene: PKD1 (polycystin 1, transient receptor potential channel interacting; minus strand). Cytogenetic location: 16p13.3.
Variant type: single nucleotide variant.
Coding change: c.8684A>C on transcript NM_001009944.3 (MANE Select); coding-DNA position 8684, A replaced by C.
Protein change: p.Asn2895Thr; replaces asparagine 2895 with threonine.
Molecular consequence: missense variant.
Genome position (GRCh38, 1-based): chr16:2,103,373, T>G on the plus strand (A>C on the coding strand, the complement: PKD1 is on the minus strand). VCF-style: chr16-2103373-T-G. GRCh37 (hg19) VCF-style: chr16-2153374-T-G.
Other names: c.8684A>C, p.Asn2895Thr (NM_000296.4); short protein forms N2895T.
Identifiers: ClinVar variation 3029560 (VCV003029560.2), dbSNP rs1219270797, ClinGen allele CA394362414.

ClinVar aggregate classification (germline): Uncertain significance (0 of 4 stars; one submission).

Conditions:
PKD1-related disorder. Also called: PKD1-related condition.

gnomAD v4.1: 7 of 1,600,916 alleles (0.00044%); highest among the groups gnomAD compares: Non-Finnish European, 0.00059%; no homozygotes.

Submission:

PreventionGenetics, part of Exact Sciences
Classification: Uncertain significance for PKD1-related condition. Last evaluated: 2023-10-31. Review status: no assertion criteria provided. Collection method: clinical testing. Allele origin: germline.
Comment: The PKD1 c.8684A>C variant is predicted to result in the amino acid substitution p.Asn2895Thr. To our knowledge, this variant has not been reported in the literature or in a large population database, indicating this variant is rare. The p.Asn2895 residue is weakly conserved during evolution and at this position is an asparagine (Asn) only in human. Although we suspect that this variant may be benign, at this time, the clinical significance of this variant is uncertain due to the absence of conclusive functional and genetic evidence.